The following is an entry in ClinVar:

ClinVar aggregate classification (germline): Likely pathogenic (1 of 4 stars; one submission).

Allele frequency attached by ClinVar (database versions not stated): gnomAD exomes below 0.00001.
gnomAD v4.1: 5 of 1,614,010 alleles (0.00031%); highest among the groups gnomAD compares: Non-Finnish European, 0.00042%; no homozygotes.

Submission:

Labcorp Genetics (formerly Invitae), Labcorp
Classification: Likely pathogenic. Last evaluated: 2024-02-23. Review status: criteria provided, single submitter. Criteria: Invitae Variant Classification Sherloc (09022015). Collection method: clinical testing. Allele origin: germline.
Comment: This sequence change affects a donor splice site in intron 10 of the IDH3B gene. It is expected to disrupt RNA splicing. Variants that disrupt the donor or acceptor splice site typically lead to a loss of protein function (PMID: 16199547), and loss-of-function variants in IDH3B are known to be pathogenic (PMID: 18806796). This variant is present in population databases (no rsID available, gnomAD 0.0009%). This variant has not been reported in the literature in individuals affected with IDH3B-related conditions. ClinVar contains an entry for this variant (Variation ID: 2082408). Algorithms developed to predict the effect of sequence changes on RNA splicing suggest that this variant may disrupt the consensus splice site. In summary, the currently available evidence indicates that the variant is pathogenic, but additional data are needed to prove that conclusively. Therefore, this variant has been classified as Likely Pathogenic.

Literature cited by the submitters: PubMed 16199547; PubMed 18806796.

NM_006899.5(IDH3B):c.1010+1G>A

Gene: IDH3B (isocitrate dehydrogenase (NAD(+)) 3 non-catalytic subunit beta; minus strand). Cytogenetic location: 20p13.
Variant type: single nucleotide variant.
Coding change: c.1010+1G>A on transcript NM_006899.5 (MANE Select); the canonical splice donor site of the intron after coding-DNA position 1010, G replaced by A.
Molecular consequence: splice donor variant.
Genome position (GRCh38, 1-based): chr20:2,659,698, C>T on the plus strand (G>A on the coding strand, the complement: IDH3B is on the minus strand). VCF-style: chr20-2659698-C-T. GRCh37 (hg19) VCF-style: chr20-2640344-C-T.
Other names: c.1010+1G>A (NM_174855.4, NM_001330763.2, NM_001258384.3).
Identifiers: ClinVar variation 2082408 (VCV002082408.4), dbSNP rs1308472429, ClinGen allele CA408034033.